The following is an entry in ClinVar:

ClinVar aggregate classification (germline): Uncertain significance (1 of 4 stars; one submission).

Allele frequency attached by ClinVar (database versions not stated): gnomAD exomes below 0.00001.
gnomAD v4.1: 1 of 1,611,504 alleles (0.000062%); highest among the groups gnomAD compares: Admixed American, 0.0017%; no homozygotes.

Submission:

GeneDx
Classification: Uncertain significance. Last evaluated: 2022-01-19. Review status: criteria provided, single submitter. Criteria: GeneDx Variant Classification Process June 2021. Collection method: clinical testing. Allele origin: germline. Affected: yes.
Comment: In silico analysis supports that this missense variant has a deleterious effect on protein structure/function; Has not been previously published as pathogenic or benign to our knowledge

NM_000815.5(GABRD):c.569A>C (p.Glu190Ala)

Gene: GABRD (gamma-aminobutyric acid type A receptor subunit delta; plus strand). Cytogenetic location: 1p36.33.
Variant type: single nucleotide variant.
Coding change: c.569A>C on transcript NM_000815.5 (MANE Select); coding-DNA position 569, A replaced by C.
Protein change: p.Glu190Ala; replaces glutamic acid 190 with alanine.
Molecular consequence: missense variant.
Genome position (GRCh38, 1-based): chr1:2,028,170, A>C. VCF-style: chr1-2028170-A-C. GRCh37 (hg19) VCF-style: chr1-1959609-A-C.
Other names: short protein forms E190A.
Identifiers: ClinVar variation 1698114 (VCV001698114.2), dbSNP rs1443430853, ClinGen allele CA337958314.